The following is an entry in ClinVar:

NM_003060.4(SLC22A5):c.140A>T (p.Glu47Val)

Gene: SLC22A5 (solute carrier family 22 member 5; plus strand). Cytogenetic location: 5q31.1.
Variant type: single nucleotide variant.
Coding change: c.140A>T on transcript NM_003060.4 (MANE Select); coding-DNA position 140, A replaced by T.
Protein change: p.Glu47Val; replaces glutamic acid 47 with valine.
Molecular consequence: missense variant.
Genome position (GRCh38, 1-based): chr5:132,370,112, A>T. VCF-style: chr5-132370112-A-T. GRCh37 (hg19) VCF-style: chr5-131705804-A-T.
Other names: c.140A>T, p.Glu47Val (NM_001308122.2); short protein forms E47V.
Identifiers: ClinVar variation 2150751 (VCV002150751.2), dbSNP rs2532088533, ClinGen allele CA360802453.

ClinVar aggregate classification (germline): Uncertain significance (1 of 4 stars; one submission).

Conditions:
Renal carnitine transport defect (CDSP). Also called: Primary carnitine deficiency; Systemic primary carnitine deficiency disease; Systemic primary carnitine deficiency; Carnitine transporter deficiency; Carnitine Deficiency, Systemic; CARNITINE DEFICIENCY, SYSTEMIC, DUE TO DEFECT IN RENAL REABSORPTION OF CARNITINE. Identifiers: Orphanet 158, MedGen C0342788, MONDO:0008919, OMIM 212140.

Submission:

Labcorp Genetics (formerly Invitae), Labcorp
Classification: Uncertain significance for Renal carnitine transport defect. Last evaluated: 2022-07-23. Review status: criteria provided, single submitter. Criteria: Invitae Variant Classification Sherloc (09022015). Collection method: clinical testing. Allele origin: germline.
Comment: Algorithms developed to predict the effect of missense changes on protein structure and function (SIFT, PolyPhen-2, Align-GVGD) all suggest that this variant is likely to be tolerated. In summary, the available evidence is currently insufficient to determine the role of this variant in disease. Therefore, it has been classified as a Variant of Uncertain Significance. This variant has not been reported in the literature in individuals affected with SLC22A5-related conditions. This variant is not present in population databases (gnomAD no frequency). This sequence change replaces glutamic acid, which is acidic and polar, with valine, which is neutral and non-polar, at codon 47 of the SLC22A5 protein (p.Glu47Val).